The following is an entry in ClinVar:

ClinVar aggregate classification (germline): Likely benign. Review status: criteria provided, multiple submitters, no conflicts (2 of 4 stars). 3 submissions from 3 submitters: Likely benign (2). 1 of the submissions does not count toward it. Last evaluated 2024-05-09.

Conditions:
ENPP1-related disorder. Also called: ENPP1-related disorders; ENPP1-related condition.

Allele frequency attached by ClinVar (database versions not stated): gnomAD 0.00001; gnomAD exomes 0.00001; ExAC 0.00002; TOPMed 0.00002; ESP Exome Variant Server 0.00008.
gnomAD v4.1: 11 of 1,613,998 alleles (0.00068%); highest among the groups gnomAD compares: East Asian, 0.0067%; no homozygotes.

Submissions (3):

Labcorp Genetics (formerly Invitae), Labcorp
Classification: Likely benign. Last evaluated: 2024-05-09. Review status: criteria provided, single submitter. Criteria: Invitae Variant Classification Sherloc (09022015). Collection method: clinical testing. Allele origin: germline.

Blueprint Genetics
Classification: Likely benign. Last evaluated: 2021-02-03. Review status: criteria provided, single submitter. Criteria: ACMG Guidelines, 2015. Collection method: clinical testing. Allele origin: germline.

PreventionGenetics, part of Exact Sciences
Classification: Likely benign for ENPP1-related condition. Last evaluated: 2019-02-26. Review status: no assertion criteria provided. Collection method: clinical testing. Allele origin: germline. Not counted in ClinVar's aggregate classification.
Comment: This variant is classified as likely benign based on ACMG/AMP sequence variant interpretation guidelines (Richards et al. 2015 PMID: 25741868, with internal and published modifications).

NM_006208.3(ENPP1):c.2740T>C (p.Leu914=)

Gene: ENPP1 (ectonucleotide pyrophosphatase/phosphodiesterase 1; plus strand). Cytogenetic location: 6q23.2.
Variant type: single nucleotide variant.
Coding change: c.2740T>C on transcript NM_006208.3 (MANE Select); coding-DNA position 2740, T replaced by C.
Protein change: p.Leu914=; no amino-acid change (leucine 914 retained).
Molecular consequence: synonymous variant.
Genome position (GRCh38, 1-based): chr6:131,890,473, T>C. VCF-style: chr6-131890473-T-C. GRCh37 (hg19) VCF-style: chr6-132211613-T-C.
Other names: c.2740T>C (NM_006208.2).
Identifiers: ClinVar variation 1984229 (VCV001984229.7), dbSNP rs371563316, ClinGen allele CA4002623.